The following is an entry in ClinVar:

ClinVar aggregate classification (germline): Uncertain significance. Review status: criteria provided, single submitter (1 of 4 stars). 2 submissions from 2 submitters: Uncertain significance (1). 1 of the submissions does not count toward it. Last evaluated 2024-04-10.

Conditions:
Mucopolysaccharidosis, MPS-III-C (MPS3C). Also called: mucopolysaccharidosis type 3C; MUCOPOLYSACCHARIDOSIS, TYPE IIIC; SANFILIPPO SYNDROME C; MPS III C; Mucopolysaccharidosis type IIIC (Sanfilippo C); MPS IIIC (Sanfilippo Syndrome Type C). Identifiers: Orphanet 581, Orphanet 79271, MedGen C0086649, MONDO:0009657, OMIM 252930.
Retinitis pigmentosa 73 (RP73). Identifiers: Orphanet 791, MedGen C4225287, MONDO:0014687, OMIM 616544.

Allele frequency attached by ClinVar (database versions not stated): TOPMed 0.00001.

Submissions (2):

Labcorp Genetics (formerly Invitae), Labcorp
Classification: Uncertain significance for Retinitis pigmentosa 73; Mucopolysaccharidosis, MPS-III-C. Last evaluated: 2024-04-10. Review status: criteria provided, single submitter. Criteria: Invitae Variant Classification Sherloc (09022015). Collection method: clinical testing. Allele origin: germline.
Comment: This sequence change replaces lysine, which is basic and polar, with arginine, which is basic and polar, at codon 629 of the HGSNAT protein (p.Lys629Arg). This variant is not present in population databases (gnomAD no frequency). This variant has not been reported in the literature in individuals affected with HGSNAT-related conditions. ClinVar contains an entry for this variant (Variation ID: 948670). Advanced modeling of protein sequence and biophysical properties (such as structural, functional, and spatial information, amino acid conservation, physicochemical variation, residue mobility, and thermodynamic stability) has been performed at Invitae for this missense variant, however the output from this modeling did not meet the statistical confidence thresholds required to predict the impact of this variant on HGSNAT protein function. In summary, the available evidence is currently insufficient to determine the role of this variant in disease. Therefore, it has been classified as a Variant of Uncertain Significance.

Natera, Inc.
Classification: Uncertain significance for Mucopolysaccharidosis type IIIC. Last evaluated: 2021-05-21. Review status: no assertion criteria provided. Collection method: clinical testing. Allele origin: germline. Not counted in ClinVar's aggregate classification.

NM_152419.3(HGSNAT):c.1886A>G (p.Lys629Arg)

Gene: HGSNAT (heparan-alpha-glucosaminide N-acetyltransferase; plus strand). Cytogenetic location: 8p11.21.
Variant type: single nucleotide variant.
Coding change: c.1886A>G on transcript NM_152419.3 (MANE Select); coding-DNA position 1886, A replaced by G.
Protein change: p.Lys629Arg; replaces lysine 629 with arginine.
Molecular consequence: missense variant.
Genome position (GRCh38, 1-based): chr8:43,199,547, A>G. VCF-style: chr8-43199547-A-G. GRCh37 (hg19) VCF-style: chr8-43054690-A-G.
Other names: c.1973A>G, p.Lys658Arg (NM_001363227.2); c.1694A>G, p.Lys565Arg (NM_001363228.2); c.1022A>G, p.Lys341Arg (NM_001363229.2); short protein forms K565R, K658R, K341R, K629R.
Identifiers: ClinVar variation 948670 (VCV000948670.6), dbSNP rs1804852352, ClinGen allele CA371121812.